The following is an entry in ClinVar:

ClinVar aggregate classification (germline): Uncertain significance. Review status: criteria provided, multiple submitters, no conflicts (2 of 4 stars). 2 submissions from 2 submitters: Uncertain significance (2). Last evaluated 2025-11-03.

Conditions:
Inborn genetic diseases. Identifiers: MedGen C0950123, MeSH D030342.

gnomAD v4.1: 1 of 1,596,480 alleles (0.000063%); highest among the groups gnomAD compares: Middle Eastern, 0.017%; no homozygotes.

Submissions (2):

Ambry Genetics
Classification: Uncertain significance for Inborn genetic diseases. Last evaluated: 2025-11-03. Review status: criteria provided, single submitter. Criteria: Ambry Variant Classification Scheme 2023. Collection method: clinical testing. Allele origin: germline.
Comment: The c.1954G>A (p.E652K) alteration is located in exon 17 (coding exon 17) of the MAPK8IP3 gene. This alteration results from a G to A substitution at nucleotide position 1954, causing the glutamic acid (E) at amino acid position 652 to be replaced by a lysine (K). This variant was not reported in population-based cohorts in the Genome Aggregation Database (gnomAD). This amino acid position is well conserved in available vertebrate species. This missense alteration is located in a region that has a low rate of benign missense variation (Lek, 2016; Firth, 2009). The in silico prediction for this alteration is inconclusive. Based on insufficient or conflicting evidence, the clinical significance of this alteration remains unclear.

GeneDx
Classification: Uncertain significance. Last evaluated: 2024-11-11. Review status: criteria provided, single submitter. Criteria: GeneDx Variant Classification Process June 2021. Collection method: clinical testing. Allele origin: germline. Affected: yes.
Comment: Not observed at significant frequency in large population cohorts (gnomAD); In silico analysis indicates that this missense variant does not alter protein structure/function; In silico analysis suggests this variant may impact gene splicing. In the absence of RNA/functional studies, the actual effect of this sequence change is unknown.; Has not been previously published as pathogenic or benign to our knowledge

NM_001318852.2(MAPK8IP3):c.1957G>A (p.Glu653Lys)

Gene: MAPK8IP3 (mitogen-activated protein kinase 8 interacting protein 3; plus strand). Cytogenetic location: 16p13.3.
Variant type: single nucleotide variant.
Coding change: c.1957G>A on transcript NM_001318852.2 (MANE Select); coding-DNA position 1957, G replaced by A.
Protein change: p.Glu653Lys; replaces glutamic acid 653 with lysine.
Molecular consequence: missense variant.
Genome position (GRCh38, 1-based): chr16:1,763,715, G>A. VCF-style: chr16-1763715-G-A. GRCh37 (hg19) VCF-style: chr16-1813716-G-A.
Other names: c.1936G>A, p.Glu646Lys (NM_001040439.2); c.1954G>A, p.Glu652Lys (NM_015133.5); c.1954G>A (NM_015133.3); short protein forms E646K, E652K, E653K.
Identifiers: ClinVar variation 3899175 (VCV003899175.2).